The following is an entry in ClinVar:

NM_004360.5(CDH1):c.2440-10T>C

Gene: CDH1 (cadherin 1; plus strand). Cytogenetic location: 16q22.1.
Variant type: single nucleotide variant.
Coding change: c.2440-10T>C on transcript NM_004360.5 (MANE Select); 10 bases into the intron before coding-DNA position 2440, T replaced by C.
Molecular consequence: intron variant.
Genome position (GRCh38, 1-based): chr16:68,833,280, T>C. VCF-style: chr16-68833280-T-C. GRCh37 (hg19) VCF-style: chr16-68867183-T-C.
Other names: c.2440-10T>C (LRG_301t1); c.892-10T>C (NM_001317185.2); c.475-10T>C (NM_001317186.2); c.2257-10T>C (NM_001317184.2).
Identifiers: ClinVar variation 220523 (VCV000220523.13), dbSNP rs864622564, ClinGen allele CA349438.
Genomic context (GRCh38, chr16:68,833,280, plus strand): 5'-GACTTCTTGCCCCAGATGACAGGTGTGCCCTTCCTTTCACTAAAAGATGCTTTTGTCCCT[T>C]CTTCTTTAGAATCTGAAAGCGGCTGATACTGACCCCACAGCCCCGCCTTATGATTCTCTG-3'

ClinVar aggregate classification (germline): Likely benign. Review status: criteria provided, multiple submitters, no conflicts (2 of 4 stars). 3 submissions from 3 submitters: Likely benign (3). Last evaluated 2025-07-30.

Conditions:
Hereditary diffuse gastric adenocarcinoma (HDGC). Also called: DIFFUSE GASTRIC AND LOBULAR BREAST CANCER SYNDROME. Identifiers: Orphanet 26106, MedGen C1708349, MONDO:0007648, OMIM 137215.

Submissions (3):

Labcorp Genetics (formerly Invitae), Labcorp
Classification: Likely benign for Hereditary diffuse gastric adenocarcinoma. Last evaluated: 2025-07-30. Review status: criteria provided, single submitter. Criteria: Invitae Variant Classification Sherloc (09022015). Collection method: clinical testing. Allele origin: germline.

Myriad Genetics, Inc.
Classification: Likely benign for Hereditary diffuse gastric adenocarcinoma. Last evaluated: 2024-09-23. Review status: criteria provided, single submitter. Criteria: Myriad Autosomal Dominant, Autosomal Recessive and X-Linked Classification Criteria (2023). Collection method: clinical testing. Allele origin: unknown.
Comment: This variant is considered likely benign. This variant is intronic and is not expected to impact mRNA splicing.

GeneDx
Classification: Likely benign. Last evaluated: 2017-08-02. Review status: criteria provided, single submitter. Criteria: GeneDx Variant Classification (06012015). Collection method: clinical testing. Allele origin: germline. Affected: yes.
Comment: This variant is considered likely benign or benign based on one or more of the following criteria: it is a conservative change, it occurs at a poorly conserved position in the protein, it is predicted to be benign by multiple in silico algorithms, and/or has population frequency not consistent with disease.